The following is an entry in ClinVar:

NM_003705.5(SLC25A12):c.421C>T (p.Arg141Trp)

Gene: SLC25A12 (solute carrier family 25 member 12; minus strand). Cytogenetic location: 2q31.1.
Variant type: single nucleotide variant.
Coding change: c.421C>T on transcript NM_003705.5 (MANE Select); coding-DNA position 421, C replaced by T.
Protein change: p.Arg141Trp; replaces arginine 141 with tryptophan.
Molecular consequence: missense variant. On other transcripts: non-coding transcript variant (1).
Genome position (GRCh38, 1-based): chr2:171,844,413, G>A on the plus strand (C>T on the coding strand, the complement: SLC25A12 is on the minus strand). VCF-style: chr2-171844413-G-A. GRCh37 (hg19) VCF-style: chr2-172700923-G-A.
Other names: c.421C>T (NM_003705.3); short protein forms R141W.
Identifiers: ClinVar variation 1019693 (VCV001019693.9), dbSNP rs779584325, ClinGen allele CA1966396.

ClinVar aggregate classification (germline): Uncertain significance. Review status: criteria provided, multiple submitters, no conflicts (2 of 4 stars). 2 submissions from 2 submitters: Uncertain significance (2). Last evaluated 2025-11-26.

Conditions:
Inborn genetic diseases. Identifiers: MedGen C0950123, MeSH D030342.

Allele frequency attached by ClinVar (database versions not stated): gnomAD exomes 0.00001; ExAC 0.00001.

Submissions (2):

Ambry Genetics
Classification: Uncertain significance for Inborn genetic diseases. Last evaluated: 2025-11-26. Review status: criteria provided, single submitter. Criteria: Ambry Variant Classification Scheme 2023. Collection method: clinical testing. Allele origin: germline.

Labcorp Genetics (formerly Invitae), Labcorp
Classification: Uncertain significance. Last evaluated: 2021-08-27. Review status: criteria provided, single submitter. Criteria: Invitae Variant Classification Sherloc (09022015). Collection method: clinical testing. Allele origin: germline.
Comment: This sequence change replaces arginine with tryptophan at codon 141 of the SLC25A12 protein (p.Arg141Trp). The arginine residue is moderately conserved and there is a moderate physicochemical difference between arginine and tryptophan. This variant is present in population databases (rs779584325, ExAC 0.001%). This variant has not been reported in the literature in individuals affected with SLC25A12-related conditions. Algorithms developed to predict the effect of missense changes on protein structure and function are either unavailable or do not agree on the potential impact of this missense change (SIFT: "Deleterious"; PolyPhen-2: "Possibly Damaging"; Align-GVGD: "Class C0"). In summary, the available evidence is currently insufficient to determine the role of this variant in disease. Therefore, it has been classified as a Variant of Uncertain Significance.